The following is an entry in ClinVar:

ClinVar aggregate classification (germline): Conflicting classifications of pathogenicity. Review status: criteria provided, conflicting classifications (1 of 4 stars). 5 submissions from 5 submitters: Uncertain significance (4); Likely benign (1). Last evaluated 2026-03-16.

Conditions:
Autosomal dominant optic atrophy classic form (OPA1). Also called: KJER-TYPE OPTIC ATROPHY; Optic Atrophy Type 1; OPTIC ATROPHY, JUVENILE. Identifiers: Orphanet 98673, MedGen C0338508, MONDO:0008134, OMIM 165500.
Inborn genetic diseases. Identifiers: MedGen C0950123, MeSH D030342.
OPA1-related disorder. Also called: OPA1-related disorders; OPA1-related condition.

Allele frequency attached by ClinVar (database versions not stated): TOPMed 0.00002; ExAC 0.00003; gnomAD 0.00005 and 0.00004; gnomAD exomes 0.00007 and 0.00004; 1000 Genomes Project 30x 0.00016; 1000 Genomes Project 0.00020.
gnomAD v4.1: 117 of 1,613,310 alleles (0.0073%); highest among the groups gnomAD compares: Non-Finnish European, 0.0092%; no homozygotes.

Submissions (5):

PreventionGenetics, part of Exact Sciences
Classification: Uncertain significance for OPA1-related condition. Last evaluated: 2026-03-16. Review status: criteria provided, single submitter. Criteria: ACMG Guidelines, 2015. Collection method: clinical testing. Allele origin: germline.
Comment: The OPA1 c.2531A>G variant is predicted to result in the amino acid substitution p.Asn844Ser. To our knowledge, this variant has not been reported in the literature. This variant, referred to as c.2366A>G (p.Asn789Ser) on alternate transcript NM_015560, is reported in 0.0093% of alleles in individuals of European (Non-Finnish) descent in gnomAD. At this time, the clinical significance of this variant is uncertain due to the absence of conclusive functional and genetic evidence.

Labcorp Genetics (formerly Invitae), Labcorp
Classification: Likely benign. Last evaluated: 2025-08-15. Review status: criteria provided, single submitter. Criteria: Invitae Variant Classification Sherloc (09022015). Collection method: clinical testing. Allele origin: germline.

GeneDx
Classification: Uncertain significance. Last evaluated: 2024-03-07. Review status: criteria provided, single submitter. Criteria: GeneDx Variant Classification Process June 2021. Collection method: clinical testing. Allele origin: germline. Affected: yes.
Comment: Has not been previously published as pathogenic or benign to our knowledge; In silico analysis supports that this missense variant does not alter protein structure/function; In silico analysis supports that this missense variant has a deleterious effect on splicing; This variant is associated with the following publications: (PMID: 14961560)

Ambry Genetics
Classification: Uncertain significance for Inborn genetic diseases. Last evaluated: 2023-03-24. Review status: criteria provided, single submitter. Criteria: Ambry Variant Classification Scheme 2023. Collection method: clinical testing. Allele origin: germline.

Illumina Laboratory Services, Illumina
Classification: Uncertain significance for Autosomal dominant optic atrophy classic form. Last evaluated: 2017-04-28. Review status: criteria provided, single submitter. Criteria: ICSL Variant Classification Criteria 13 December 2019. Collection method: clinical testing. Allele origin: germline.
Comment: This variant was observed as part of a predisposition screen in an ostensibly healthy population. A literature search was performed for the gene, cDNA change, and amino acid change (where applicable). Publications were found based on this search. However, the evidence from the literature, in combination with allele frequency data from public databases where available, was not sufficient to rule this variant in or out of causing disease. Therefore, this variant is classified as a variant of unknown significance.

Literature cited by the submitters: PubMed 14961560 (cited by Illumina Laboratory Services, Illumina).

NM_130837.3(OPA1):c.2531A>G (p.Asn844Ser)

Gene: OPA1 (OPA1 mitochondrial dynamin like GTPase; plus strand). Cytogenetic location: 3q29.
Variant type: single nucleotide variant.
Coding change: c.2531A>G on transcript NM_130837.3 (MANE Select); coding-DNA position 2531, A replaced by G.
Protein change: p.Asn844Ser; replaces asparagine 844 with serine.
Molecular consequence: missense variant.
Genome position (GRCh38, 1-based): chr3:193,662,832, A>G. VCF-style: chr3-193662832-A-G. GRCh37 (hg19) VCF-style: chr3-193380621-A-G.
Other names: c.1997A>G, p.Asn666Ser (NM_001354663.2); c.1994A>G, p.Asn665Ser (NM_001354664.2); c.2366A>G, p.Asn789Ser (NM_015560.3); c.2258A>G, p.Asn753Ser (NM_130831.3); c.2312A>G, p.Asn771Ser (NM_130832.3); c.2369A>G, p.Asn790Ser (NM_130833.3); c.2420A>G, p.Asn807Ser (NM_130834.3); c.2423A>G, p.Asn808Ser (NM_130835.3); and 2 more; short protein forms N826S, N789S, N665S, N666S, N771S, N790S, N807S, N753S.
Identifiers: ClinVar variation 899712 (VCV000899712.13), dbSNP rs200428940, ClinGen allele CA2759696.